The following is an entry in ClinVar:

ClinVar aggregate classification (germline): Likely benign. Review status: criteria provided, multiple submitters, no conflicts (2 of 4 stars). 3 submissions from 3 submitters: Likely benign (3). Last evaluated 2025-01-07.

Conditions:
Lynch syndrome 5 (LYNCH5). Also called: Hereditary non-polyposis colorectal cancer, type 5; Colorectal cancer, hereditary nonpolyposis, type 5. Identifiers: Orphanet 144, MedGen C1833477, MONDO:0013710, OMIM 614350. Disease mechanism: loss of function.
Hereditary nonpolyposis colorectal neoplasms. Identifiers: MedGen C0009405, MeSH D003123.
Lynch syndrome. Identifiers: Orphanet 144, MedGen C4552100, MONDO:0005835. Disease mechanism: loss of function.

Submissions (3):

Myriad Genetics, Inc.
Classification: Likely benign for Lynch syndrome 5. Last evaluated: 2025-01-07. Review status: criteria provided, single submitter. Criteria: Myriad Autosomal Dominant, Autosomal Recessive and X-Linked Classification Criteria (2023). Collection method: clinical testing. Allele origin: unknown.
Comment: This variant is considered likely benign. This variant is intronic and is not expected to impact mRNA splicing.

All of Us Research Program, National Institutes of Health
Classification: Likely benign for Lynch syndrome. Last evaluated: 2024-03-24. Review status: criteria provided, single submitter. Criteria: ACMG Guidelines, 2015. Collection method: clinical testing. Allele origin: germline. Inheritance: Autosomal dominant inheritance. Observed: 1 variant allele, 1 heterozygote.
Comment: This study involves interpretation of variants in research participants for the purpose of population health screening. Participant phenotype was not available at the time of variant classification. Additional details can be found in publication PMID: 35346344, PMCID: PMC8962531

Labcorp Genetics (formerly Invitae), Labcorp
Classification: Likely benign for Hereditary nonpolyposis colorectal neoplasms. Last evaluated: 2023-07-25. Review status: criteria provided, single submitter. Criteria: Invitae Variant Classification Sherloc (09022015). Collection method: clinical testing. Allele origin: germline.

NM_000179.3(MSH6):c.3556+8_3556+11del

Gene: MSH6 (mutS homolog 6; plus strand). Cytogenetic location: 2p16.3.
Variant type: Deletion.
Coding change: c.3556+8_3556+11del on transcript NM_000179.3 (MANE Select); bases 8 to 11 of the intron after coding-DNA position 3556, 4 bases deleted (TTTT; older notation c.3556+8_3556+11delTTTT).
Molecular consequence: intron variant.
Genome position (GRCh38, 1-based): chr2:47,805,035-47,805,038, TTTT deleted; deleting any 4 consecutive bases within chr2:47,805,033-47,805,038 gives the same sequence; the c. name uses the placement nearest the transcript's 3' end. VCF-style (leftmost placement, unchanged base first): chr2-47805032-GTTTT-G. GRCh37 (hg19) VCF-style: chr2-48032171-GTTTT-G.
Other names: c.3556+8_3556+11del (NM_000179.2); c.2650+8_2650+11del (NM_001281493.2, NM_001281494.2); c.3166+8_3166+11del (NM_001281492.2).
Identifiers: ClinVar variation 794154 (VCV000794154.13), dbSNP rs754636132, ClinGen allele CA915943961.